The following is an entry in ClinVar:

ClinVar aggregate classification (germline): Conflicting classifications of pathogenicity. Review status: criteria provided, conflicting classifications (1 of 4 stars). 4 submissions from 3 submitters: Likely pathogenic (1); Uncertain significance (3). Last evaluated 2017-04-24.

Conditions:
Hyperinsulinemic hypoglycemia, familial, 1 (HHF1). Also called: Persistent hyperinsulinemic hypoglycemia of infancy; Persistent Hyperinsulinemia Hypoglycemia of Infancy; HYPERINSULINISM, FAMILIAL, WITH PANCREATIC NESIDIOBLASTOSIS; HYPOGLYCEMIA, HYPERINSULINEMIC, OF INFANCY; NESIDIOBLASTOSIS OF PANCREAS. Identifiers: Orphanet 276575, Orphanet 276598, MedGen C2931832, MONDO:0009734, OMIM 256450.
Transitory neonatal diabetes mellitus. Also called: Transient neonatal diabetes mellitus. Identifiers: MedGen C0342273, MONDO:0020525, HP:0008255.
Maturity-onset diabetes of the young (MODY). Also called: Maturity onset diabetes mellitus in young. Identifiers: Orphanet 552, MedGen C0342276, MONDO:0018911, HP:0004904.

Allele frequency attached by ClinVar (database versions not stated): TOPMed below 0.00001.

Submissions (4):

Genetic Services Laboratory, University of Chicago
Classification: Likely pathogenic for Hyperinsulinemic hypoglycemia, familial, 1. Last evaluated: 2017-04-24. Review status: criteria provided, single submitter. Criteria: ACMG Guidelines, 2015. Collection method: clinical testing. Allele origin: germline. Affected: yes.

Athena Diagnostics
Classification: Uncertain significance. Last evaluated: 2016-10-27. Review status: criteria provided, single submitter. Criteria: Athena Diagnostics Criteria. Collection method: clinical testing. Allele origin: germline.

Clinical Genomics, Uppaluri K&H Personalized Medicine Clinic
Classification: Uncertain significance for Maturity-onset diabetes of the young. Review status: criteria provided, single submitter. Criteria: K & H Uppaluri Personalized Medicine Clinic Variant Classification & Assertion Criteria_Updated V.1. Collection method: research. Allele origin: unknown. Inheritance: Somatic mutation.
Comment: Mutations in ABCC8 gene are associated with both neonatal diabetes mellitus as well as MODY. Patients with this mutation may have a better response to sulfonylureas. However, no sufficient evidence is found to ascertain the role of this particular variant (rs1554924142) in MODY yet.

Clinical Genomics, Uppaluri K&H Personalized Medicine Clinic
Classification: Uncertain significance for Transitory neonatal diabetes mellitus. Review status: criteria provided, single submitter. Criteria: K & H Uppaluri Personalized Medicine Clinic Variant Classification & Assertion Criteria_Updated V.1. Collection method: research. Allele origin: unknown. Inheritance: Somatic mutation.
Comment: Mutations in ABCC8 gene are associated with both neonatal diabetes mellitus as well as MODY. Patients with this mutation may have a better response to sulfonylureas. However, no sufficient evidence is found to ascertain the role of this particular variant (rs1554924142) in neonatal diabetes yet.

Literature cited by the submitters: PubMed 24044690 (cited by Athena Diagnostics); PubMed 16885549 (cited by Clinical Genomics, Uppaluri K&H Personalized Medicine Clinic); PubMed 21989597 (cited by Clinical Genomics, Uppaluri K&H Personalized Medicine Clinic); PubMed 27538677 (cited by Clinical Genomics, Uppaluri K&H Personalized Medicine Clinic); PubMed 18981553 (cited by Clinical Genomics, Uppaluri K&H Personalized Medicine Clinic); PubMed 32027066 (cited by Clinical Genomics, Uppaluri K&H Personalized Medicine Clinic); PubMed 16613899 (cited by Clinical Genomics, Uppaluri K&H Personalized Medicine Clinic); PubMed 18025408 (cited by Clinical Genomics, Uppaluri K&H Personalized Medicine Clinic); PubMed 32792356 (cited by Clinical Genomics, Uppaluri K&H Personalized Medicine Clinic).

NM_000352.6(ABCC8):c.2143G>A (p.Val715Met)

Gene: ABCC8 (ATP binding cassette subfamily C member 8; minus strand). Cytogenetic location: 11p15.1.
Variant type: single nucleotide variant.
Coding change: c.2143G>A on transcript NM_000352.6 (MANE Select); coding-DNA position 2143, G replaced by A.
Protein change: p.Val715Met; replaces valine 715 with methionine.
Molecular consequence: missense variant. On other transcripts: non-coding transcript variant (1).
Genome position (GRCh38, 1-based): chr11:17,427,128, C>T on the plus strand (G>A on the coding strand, the complement: ABCC8 is on the minus strand). VCF-style: chr11-17427128-C-T. GRCh37 (hg19) VCF-style: chr11-17448675-C-T.
Other names: c.2143G>A, p.Val715Met (NM_001287174.3); c.2209G>A, p.Val737Met (NM_001351295.2); c.2140G>A, p.Val714Met (NM_001351296.2, NM_001351297.2); short protein forms V715M, V737M, V714M.
Identifiers: ClinVar variation 434059 (VCV000434059.7), dbSNP rs1554924142, ClinGen allele CA379813722.